The following is an entry in ClinVar:

ClinVar aggregate classification (germline): Uncertain significance (1 of 4 stars; one submission).

Conditions:
CBX2-related disorder. Also called: CBX2-related condition.

gnomAD v4.1: 1 of 1,612,318 alleles (0.000062%); highest among the groups gnomAD compares: African/African-American, 0.0013%; no homozygotes.

Submission:

PreventionGenetics, part of Exact Sciences
Classification: Uncertain significance for CBX2-related condition. Last evaluated: 2026-09-12. Review status: criteria provided, single submitter. Criteria: ACMG Guidelines, 2015. Collection method: clinical testing. Allele origin: germline.
Comment: The CBX2 c.1217C>G variant is predicted to result in the amino acid substitution p.Thr406Ser. To our knowledge, this variant has not been reported in the literature. This variant is reported in 0.011% of alleles in individuals of African descent in gnomAD. At this time, the clinical significance of this variant is uncertain due to the absence of conclusive functional and genetic evidence.

NM_005189.3(CBX2):c.1217C>G (p.Thr406Ser)

Gene: CBX2 (chromobox 2; plus strand). Cytogenetic location: 17q25.3.
Variant type: single nucleotide variant.
Coding change: c.1217C>G on transcript NM_005189.3 (MANE Select); coding-DNA position 1217, C replaced by G.
Protein change: p.Thr406Ser; replaces threonine 406 with serine.
Molecular consequence: missense variant.
Genome position (GRCh38, 1-based): chr17:79,784,660, C>G. VCF-style: chr17-79784660-C-G. GRCh37 (hg19) VCF-style: chr17-77758459-C-G.
Other names: short protein forms T406S.
Identifiers: ClinVar variation 4994840 (VCV004994840.1).